The following is an entry in ClinVar:

NM_000218.3(KCNQ1):c.1823TCA[1] (p.Ile609del)

Genes: KCNQ1 (potassium voltage-gated channel subfamily Q member 1; plus strand), KCNQ1-AS1 (KCNQ1 antisense RNA 1; minus strand). Cytogenetic location: 11p15.4.
Variant type: Microsatellite.
Coding change: c.1823TCA[1] on transcript NM_000218.3 (MANE Select); one copy of the 3-base unit TCA starting at c.1823; the reference has two copies in a row; one copy, 3 bases deleted; also written c.1826_1828del.
Protein change: p.Ile609del; deletes isoleucine 609.
Molecular consequence: inframe deletion. On other transcripts: inframe indel (8).
Genome position (GRCh38, 1-based): chr11:2,847,798-2,847,800, TCA deleted; deleting any 3 consecutive bases within chr11:2,847,795-2,847,800 gives the same sequence; the position shown is the placement nearest the transcript's 3' end. VCF-style (leftmost placement, unchanged base first): chr11-2847794-CTCA-C. GRCh37 (hg19) VCF-style: chr11-2869024-CTCA-C.
Other names: c.1826_1828delTCA (NM_000218.2); c.1826_1828del (NM_000218.2); c.1823_1825TCA[1], p.Ile609del (NM_000218.2); c.1727_1729TCA[1], p.Ile577del (NM_001406836.1); c.1553_1555TCA[1], p.Ile519del (NM_001406837.1); c.1283_1285TCA[1], p.Ile429del (NM_001406838.1); c.335_337TCA[1], p.Ile113del (NM_001406839.1); c.1442_1444TCA[1], p.Ile482del (NM_181798.2); short protein forms I482del, I609del, I113del, I429del, I519del, I577del.
Identifiers: ClinVar variation 449200 (VCV000449200.13), dbSNP rs1554932667, ClinGen allele CA658656098.

ClinVar aggregate classification (germline): Uncertain significance. Review status: criteria provided, multiple submitters, no conflicts (2 of 4 stars). 2 submissions from 2 submitters: Uncertain significance (2). Last evaluated 2024-07-21.

Conditions:
Long QT syndrome (LQTS). Identifiers: MedGen C0023976, MeSH D008133, MONDO:0002442. Disease mechanism: loss of function. Inheritance: Various modes of inheritance.

Submissions (2):

Labcorp Genetics (formerly Invitae), Labcorp
Classification: Uncertain significance for Long QT syndrome. Last evaluated: 2024-07-21. Review status: criteria provided, single submitter. Criteria: Invitae Variant Classification Sherloc (09022015). Collection method: clinical testing. Allele origin: germline.
Comment: This variant, c.1826_1828del, results in the deletion of 1 amino acid(s) of the KCNQ1 protein (p.Ile609del), but otherwise preserves the integrity of the reading frame. This variant is not present in population databases (gnomAD no frequency). This variant has not been reported in the literature in individuals affected with KCNQ1-related conditions. ClinVar contains an entry for this variant (Variation ID: 449200). Experimental studies and prediction algorithms are not available or were not evaluated, and the functional significance of this variant is currently unknown. In summary, the available evidence is currently insufficient to determine the role of this variant in disease. Therefore, it has been classified as a Variant of Uncertain Significance.

GeneDx
Classification: Uncertain significance. Last evaluated: 2021-04-20. Review status: criteria provided, single submitter. Criteria: GeneDx Variant Classification Process June 2021. Collection method: clinical testing. Allele origin: germline. Affected: yes.
Comment: Not observed in large population cohorts (Lek et al., 2016); In-frame deletion of 1 amino acids in a non-repeat region; In silico analysis supports a deleterious effect on protein structure/function; Has not been previously published as pathogenic or benign to our knowledge